The following is an entry in ClinVar:

ClinVar aggregate classification (germline): Uncertain significance. Review status: criteria provided, multiple submitters, no conflicts (2 of 4 stars). 4 submissions from 4 submitters: Uncertain significance (4). Last evaluated 2025-08-29.

Conditions:
Hereditary cancer-predisposing syndrome. Also called: Neoplastic Syndromes, Hereditary; Tumor predisposition; Hereditary Cancer Syndrome; Hereditary neoplastic syndrome. Identifiers: Orphanet 140162, MedGen C0027672, MeSH D009386, MONDO:0015356.
Neuroblastoma, susceptibility to, 3. Also called: ALK-Related Neuroblastic Tumor Susceptibility. Identifiers: Orphanet 635, MedGen C2751681, MONDO:0013083, OMIM 613014.

gnomAD v4.1: 14 of 1,614,074 alleles (0.00087%); highest among the groups gnomAD compares: East Asian, 0.011%; no homozygotes.

Submissions (4):

Mayo Clinic Laboratories, Mayo Clinic
Classification: Uncertain significance. Last evaluated: 2025-08-29. Review status: criteria provided, single submitter. Criteria: ACMG Guidelines, 2015. Collection method: clinical testing. Allele origin: germline. Observed: 1 variant allele.
Comment: PP3_moderate, PM5

Labcorp Genetics (formerly Invitae), Labcorp
Classification: Uncertain significance for Neuroblastoma, susceptibility to, 3. Last evaluated: 2025-06-03. Review status: criteria provided, single submitter. Criteria: Invitae Variant Classification Sherloc (09022015). Collection method: clinical testing. Allele origin: germline.
Comment: This sequence change replaces arginine, which is basic and polar, with glycine, which is neutral and non-polar, at codon 1192 of the ALK protein (p.Arg1192Gly). This variant is present in population databases (no rsID available, gnomAD 0.006%). This variant has not been reported in the literature in individuals affected with ALK-related conditions. ClinVar contains an entry for this variant (Variation ID: 538242). An algorithm developed to predict the effect of missense changes on protein structure and function (PolyPhen-2) suggests that this variant is likely to be disruptive. Experimental studies have shown that this missense change affects ALK function (PMID: 26002608). This variant disrupts the p.Arg1192 amino acid residue in ALK. Other variant(s) that disrupt this residue have been determined to be pathogenic (PMID: 18724359, 18923523, 21838707, 22071890). This suggests that this residue is clinically significant, and that variants that disrupt this residue are likely to be disease-causing. In summary, the available evidence is currently insufficient to determine the role of this variant in disease. Therefore, it has been classified as a Variant of Uncertain Significance.

Ambry Genetics
Classification: Uncertain significance for Hereditary cancer-predisposing syndrome. Last evaluated: 2024-04-01. Review status: criteria provided, single submitter. Criteria: Ambry Variant Classification Scheme 2023. Collection method: clinical testing. Allele origin: germline.
Comment: The p.R1192G variant (also known as c.3574C>G), located in coding exon 23 of the ALK gene, results from a C to G substitution at nucleotide position 3574. The arginine at codon 1192 is replaced by glycine, an amino acid with dissimilar properties. In a functional study, this alteration showed increased levels of ALK phosphorylation and increased transformative activity compared to wild-type ALK, and also displayed sensitivity to ALK inhibitors (Togashi Y et al. Ann. Oncol., 2015 Aug;26:1800-1). This amino acid position is highly conserved in available vertebrate species. In addition, this alteration is predicted to be deleterious by in silico analysis. Since supporting evidence is limited at this time, the clinical significance of this alteration remains unclear.

GeneDx
Classification: Uncertain significance. Last evaluated: 2023-10-18. Review status: criteria provided, single submitter. Criteria: GeneDx Variant Classification Process June 2021. Collection method: clinical testing. Allele origin: germline. Affected: yes.
Comment: Not observed at significant frequency in large population cohorts (gnomAD); In silico analysis supports that this missense variant has a deleterious effect on protein structure/function; Published functional studies demonstrate increased activation and transformation of ALK as compared to wild type (Togashi et al., 2015); This variant is associated with the following publications: (PMID: 26002608)

Literature cited by the submitters: PubMed 18724359 (cited by 3 submitters); PubMed 18923523 (cited by 3 submitters); PubMed 22071890 (cited by 3 submitters); PubMed 26002608 (cited by 3 submitters); PubMed 21838707 (cited by Labcorp Genetics (formerly Invitae), Labcorp).

NM_004304.5(ALK):c.3574C>G (p.Arg1192Gly)

Gene: ALK (ALK receptor tyrosine kinase; minus strand). Cytogenetic location: 2p23.2.
Variant type: single nucleotide variant.
Coding change: c.3574C>G on transcript NM_004304.5 (MANE Select); coding-DNA position 3574, C replaced by G.
Protein change: p.Arg1192Gly; replaces arginine 1192 with glycine.
Molecular consequence: missense variant.
Genome position (GRCh38, 1-based): chr2:29,220,777, G>C on the plus strand (C>G on the coding strand, the complement: ALK is on the minus strand). VCF-style: chr2-29220777-G-C. GRCh37 (hg19) VCF-style: chr2-29443643-G-C.
Other names: p.Arg1192Gly; c.370C>G, p.Arg124Gly (NM_001353765.2); short protein forms R1192G, R124G.
Identifiers: ClinVar variation 538242 (VCV000538242.17), dbSNP rs534852056, ClinGen allele CA44655555.